The following is an entry in ClinVar:

NM_019842.4(KCNQ5):c.1676A>G (p.Asp559Gly)

Gene: KCNQ5 (potassium voltage-gated channel subfamily Q member 5; plus strand). Cytogenetic location: 6q13.
Variant type: single nucleotide variant.
Coding change: c.1676A>G on transcript NM_019842.4 (MANE Select); coding-DNA position 1676, A replaced by G.
Protein change: p.Asp559Gly; replaces aspartic acid 559 with glycine.
Molecular consequence: missense variant.
Genome position (GRCh38, 1-based): chr6:73,190,671, A>G. VCF-style: chr6-73190671-A-G. GRCh37 (hg19) VCF-style: chr6-73900394-A-G.
Other names: c.1649A>G, p.Asp550Gly (NM_001160130.2); c.1706A>G, p.Asp569Gly (NM_001160132.2); c.1733A>G, p.Asp578Gly (NM_001160133.2); c.1346A>G, p.Asp449Gly (NM_001160134.2); short protein forms D449G, D550G, D559G, D569G, D578G.
Identifiers: ClinVar variation 1878577 (VCV001878577.2), dbSNP rs2533919911, ClinGen allele CA364693277.

ClinVar aggregate classification (germline): Uncertain significance. Review status: criteria provided, multiple submitters, no conflicts (2 of 4 stars). 2 submissions from 2 submitters: Uncertain significance (2). Last evaluated 2022-12-28.

Conditions:
Intellectual developmental disorder, autosomal dominant 46. Also called: Intellectual disability, autosomal dominant 46; MENTAL RETARDATION, AUTOSOMAL DOMINANT 46. Identifiers: MedGen C4539851, MONDO:0030911, OMIM 617601.

Submissions (2):

Blueprint Genetics
Classification: Uncertain significance. Last evaluated: 2022-12-28. Review status: criteria provided, single submitter. Criteria: ACMG Guidelines, 2015. Collection method: clinical testing. Allele origin: germline.

Neuberg Centre For Genomic Medicine, NCGM
Classification: Uncertain significance for Intellectual developmental disorder, autosomal dominant 46. Review status: criteria provided, single submitter. Criteria: ACMG Guidelines, 2015. Collection method: clinical testing. Allele origin: germline. Affected: yes.
Comment: The missense variant p.D559G in KCNQ5 (NM_019842.4) has not been reported previously as a pathogenic variant nor as a benign variant, to our knowledge. The p.D559G variant is novel (not in any individuals) in gnomAD Exomes and is novel (not in any individuals) in 1000 Genomes. There is a moderate physicochemical difference between aspartic acid and glycine. The p.D559G missense variant is predicted to be damaging by both SIFT and PolyPhen2. The aspartic acid residue at codon 559 of KCNQ5 is conserved in all mammalian species. The nucleotide c.1676 in KCNQ5 is predicted conserved by GERP++ and PhyloP across 100 vertebrates. For these reasons, this variant has been classified as Uncertain Significance.